The following is an entry in ClinVar:

ClinVar aggregate classification (germline): Benign/Likely benign. Review status: criteria provided, multiple submitters, no conflicts (2 of 4 stars). 5 submissions from 5 submitters: Benign (2); Likely benign (2). 1 of the submissions does not count toward it. Last evaluated 2026-08-01.

Conditions:
HERC1-related disorder. Also called: HERC1-related condition.

Allele frequency attached by ClinVar (database versions not stated): 1000 Genomes Project 30x 0.00484; 1000 Genomes Project 0.00499; ESP Exome Variant Server 0.00876; ExAC 0.01131; gnomAD exomes 0.01221 and 0.01229.
gnomAD v4.1: 19,164 of 1,589,058 alleles (1.2%); highest among the groups gnomAD compares: Middle Eastern, 1.5%; 158 homozygotes.

Submissions (5):

CeGaT Center for Human Genetics Tuebingen
Classification: Benign. Last evaluated: 2026-08-01. Review status: criteria provided, single submitter. Criteria: CeGaT Center For Human Genetics Tuebingen Variant Classification Criteria Version 2. Collection method: clinical testing. Allele origin: germline. Affected: yes. Observed: 74 variant alleles.
Comment: HERC1: BP4, BS1, BS2

Labcorp Genetics (formerly Invitae), Labcorp
Classification: Benign. Last evaluated: 2026-01-25. Review status: criteria provided, single submitter. Criteria: Invitae Variant Classification Sherloc (09022015). Collection method: clinical testing. Allele origin: germline.

GeneDx
Classification: Likely benign. Last evaluated: 2021-03-04. Review status: criteria provided, single submitter. Criteria: GeneDx Variant Classification Process June 2021. Collection method: clinical testing. Allele origin: germline. Affected: yes.

Breakthrough Genomics
Classification: Likely benign. Review status: criteria provided, single submitter. Criteria: ACMG Guidelines, 2015. Collection method: not provided. Allele origin: germline. Inheritance: Autosomal recessive inheritance. Affected: yes.

PreventionGenetics, part of Exact Sciences
Classification: Benign for HERC1-related condition. Last evaluated: 2019-07-30. Review status: no assertion criteria provided. Collection method: clinical testing. Allele origin: germline. Not counted in ClinVar's aggregate classification.
Comment: This variant is classified as benign based on ACMG/AMP sequence variant interpretation guidelines (Richards et al. 2015 PMID: 25741868, with internal and published modifications).

NM_003922.4(HERC1):c.5839C>T (p.Leu1947=)

Gene: HERC1 (HECT and RLD domain containing E3 ubiquitin protein ligase family member 1; minus strand). Cytogenetic location: 15q22.31.
Variant type: single nucleotide variant.
Coding change: c.5839C>T on transcript NM_003922.4 (MANE Select); coding-DNA position 5839, C replaced by T.
Protein change: p.Leu1947=; no amino-acid change (leucine 1947 retained).
Molecular consequence: synonymous variant.
Genome position (GRCh38, 1-based): chr15:63,690,639, G>A on the plus strand (C>T on the coding strand, the complement: HERC1 is on the minus strand). VCF-style: chr15-63690639-G-A. GRCh37 (hg19) VCF-style: chr15-63982838-G-A.
Identifiers: ClinVar variation 1193119 (VCV001193119.42), dbSNP rs35098067, ClinGen allele CA7605462.